The following is an entry in ClinVar:

ClinVar aggregate classification (germline): Likely pathogenic (1 of 4 stars; one submission).

Conditions:
Infantile-onset ascending hereditary spastic paralysis (IAHSP). Also called: Infantile-Onset Ascending Hereditary Spastic Paralysis (IAHSP); Autosomal Recessive Juvenile Amyotrophic Lateral Sclerosis. Identifiers: Orphanet 293168, MedGen C2931441, MONDO:0011797, OMIM 607225. Disease mechanism: loss of function.

Submission:

Labcorp Genetics (formerly Invitae), Labcorp
Classification: Likely pathogenic for Infantile-onset ascending hereditary spastic paralysis. Last evaluated: 2021-09-16. Review status: criteria provided, single submitter. Criteria: Invitae Variant Classification Sherloc (09022015). Collection method: clinical testing. Allele origin: germline.
Comment: Algorithms developed to predict the effect of sequence changes on RNA splicing suggest that this variant may disrupt the consensus splice site, but this prediction has not been confirmed by published transcriptional studies. This variant has not been reported in the literature in individuals with ALS2-related disease. This variant is not present in population databases (ExAC no frequency). This sequence change affects a donor splice site in intron 19 of the ALS2 gene. It is expected to disrupt RNA splicing and likely results in an absent or disrupted protein product. Donor and acceptor splice site variants typically lead to a loss of protein function (PMID: 16199547), and loss-of-function variants in ALS2 are known to be pathogenic (PMID: 11586298, 24315819). In summary, the currently available evidence indicates that the variant is pathogenic, but additional data are needed to prove that conclusively. Therefore, this variant has been classified as Likely Pathogenic.

Literature cited by the submitters: PubMed 16199547; PubMed 11586298; PubMed 24315819.

NM_020919.4(ALS2):c.3248+1G>T

Gene: ALS2 (alsin Rho guanine nucleotide exchange factor ALS2; minus strand). Cytogenetic location: 2q33.1.
Variant type: single nucleotide variant.
Coding change: c.3248+1G>T on transcript NM_020919.4 (MANE Select); the canonical splice donor site of the intron after coding-DNA position 3248, G replaced by T.
Molecular consequence: splice donor variant.
Genome position (GRCh38, 1-based): chr2:201,726,483, C>A on the plus strand (G>T on the coding strand, the complement: ALS2 is on the minus strand). VCF-style: chr2-201726483-C-A. GRCh37 (hg19) VCF-style: chr2-202591206-C-A.
Other names: c.3248+1G>T (NM_001410975.1).
Identifiers: ClinVar variation 1067930 (VCV001067930.7), dbSNP rs2106005949, ClinGen allele CA350320453.